The following is an entry in ClinVar:

NM_001130969.3(NSMF):c.241G>A (p.Gly81Ser)

Gene: NSMF (NMDA receptor synaptonuclear signaling and neuronal migration factor; minus strand). Cytogenetic location: 9q34.3.
Variant type: single nucleotide variant.
Coding change: c.241G>A on transcript NM_001130969.3 (MANE Select); coding-DNA position 241, G replaced by A.
Protein change: p.Gly81Ser; replaces glycine 81 with serine.
Molecular consequence: missense variant.
Genome position (GRCh38, 1-based): chr9:137,457,794, C>T on the plus strand (G>A on the coding strand, the complement: NSMF is on the minus strand). VCF-style: chr9-137457794-C-T. GRCh37 (hg19) VCF-style: chr9-140352246-C-T.
Other names: c.241G>A, p.Gly81Ser (NM_001130970.2, NM_001130971.2, NM_001178064.2 and 1 more transcripts); c.241G>A (NM_001130969.1); short protein forms G81S.
Identifiers: ClinVar variation 426277 (VCV000426277.7), dbSNP rs531757042, ClinGen allele CA5370581.
Genomic context (GRCh38, chr9:137,457,794, plus strand): 5'-CTCGAGGCTGAGGGCCCTCGCCTGCGGGCTTCCTAATGCTGGGCTCCTCTGAGAGGCTGC[C>T]CTCGTAGCAGCCGTTGGAGACGAGGGACAGGCGGCGCTTGTTCTGGGGGGCCGGCTGCAT-3'
Protein context (NP_001124441.1, residues 71-91): LSLVSNGCYE[Gly81Ser]SLSEEPSIRK

ClinVar aggregate classification (germline): Uncertain significance. Review status: criteria provided, multiple submitters, no conflicts (2 of 4 stars). 5 submissions from 5 submitters: Uncertain significance (5). Last evaluated 2024-08-13.

Conditions:
Hypogonadotropic hypogonadism 9 with or without anosmia (HH9). Also called: NELF-Related Hypogonadotropic Hypogonadism; HYPOGONADOTROPIC HYPOGONADISM 9 WITHOUT ANOSMIA, SUSCEPTIBILITY TO; HYPOGONADOTROPIC HYPOGONADISM 9 WITH ANOSMIA, SUSCEPTIBILITY TO. Identifiers: Orphanet 478, MedGen C3553842, MONDO:0013911, OMIM 614838.
NSMF-related disorder. Also called: NSMF-related condition.

Allele frequency attached by ClinVar (database versions not stated): TOPMed 0.00006; gnomAD 0.00009; gnomAD exomes 0.00010 and 0.00016; 1000 Genomes Project 30x 0.00016; 1000 Genomes Project 0.00020; ExAC 0.00023.
gnomAD v4.1: 167 of 1,558,476 alleles (0.011%); highest among the groups gnomAD compares: Middle Eastern, 0.15%; no homozygotes.

Submissions (5):

Labcorp Genetics (formerly Invitae), Labcorp
Classification: Uncertain significance. Last evaluated: 2024-08-13. Review status: criteria provided, single submitter. Criteria: Invitae Variant Classification Sherloc (09022015). Collection method: clinical testing. Allele origin: germline.
Comment: This sequence change replaces glycine, which is neutral and non-polar, with serine, which is neutral and polar, at codon 81 of the NSMF protein (p.Gly81Ser). This variant is present in population databases (rs531757042, gnomAD 0.04%), and has an allele count higher than expected for a pathogenic variant. This missense change has been observed in individual(s) with Kallmann syndrome (PMID: 34348883). ClinVar contains an entry for this variant (Variation ID: 426277). Advanced modeling of protein sequence and biophysical properties (such as structural, functional, and spatial information, amino acid conservation, physicochemical variation, residue mobility, and thermodynamic stability) performed at Invitae indicates that this missense variant is not expected to disrupt NSMF protein function with a negative predictive value of 80%. In summary, the available evidence is currently insufficient to determine the role of this variant in disease. Therefore, it has been classified as a Variant of Uncertain Significance.

Ambry Genetics
Classification: Uncertain significance. Last evaluated: 2024-04-05. Review status: criteria provided, single submitter. Criteria: Ambry Variant Classification Scheme 2023. Collection method: clinical testing. Allele origin: germline.
Comment: Does not currently meet published gene-disease clinical validity criteria Based on insufficient or conflicting evidence, the clinical significance of this alteration remains unclear.

PreventionGenetics, part of Exact Sciences
Classification: Uncertain significance for NSMF-related condition. Last evaluated: 2023-08-01. Review status: criteria provided, single submitter. Criteria: ACMG Guidelines, 2015. Collection method: clinical testing. Allele origin: germline.
Comment: The NSMF c.241G>A variant is predicted to result in the amino acid substitution p.Gly81Ser. To our knowledge, this variant has not been reported in the literature. This variant is reported in 0.039% of alleles in individuals of South Asian descent in gnomAD. Although we suspect that this variant may be benign, at this time, the clinical significance of this variant is uncertain due to the absence of conclusive functional and genetic evidence.

Department of Pathology and Laboratory Medicine, Sinai Health System
Classification: Uncertain significance for Hypogonadotropic hypogonadism 9 with or without anosmia. Last evaluated: 2021-07-30. Review status: criteria provided, single submitter. Criteria: ACMG Guidelines, 2015. Collection method: research. Allele origin: germline.

GeneDx
Classification: Uncertain significance. Last evaluated: 2017-04-21. Review status: criteria provided, single submitter. Criteria: GeneDx Variant Classification (06012015). Collection method: clinical testing. Allele origin: germline. Affected: yes.
Comment: The G81S variant in the NSMF gene has not been reported previously as a pathogenic variant, nor as a benign variant, to our knowledge. The G81S variant is observed in 3/8008 (0.04%) alleles from individuals of South Asian background, in the ExAC dataset (Lek et al., 2016). The G81S variant is a non-conservative amino acid substitution, which is likely to impact secondary protein structure as these residues differ in polarity, charge, size and/or other properties. This substitution occurs at a position that is not conserved. In silico analysis is inconsistent in its predictions as to whether or not the variant is damaging to the protein structure/function. We interpret G81S as a variant of uncertain significance.

Literature cited by the submitters: PubMed 34348883 (cited by Labcorp Genetics (formerly Invitae), Labcorp); PubMed 28106320 (cited by Ambry Genetics).